The following is an entry in ClinVar:

ClinVar aggregate classification (germline): Uncertain significance (1 of 4 stars; one submission).

Conditions:
PLXNA4-related disorder. Also called: PLXNA4-related condition.

Allele frequency attached by ClinVar (database versions not stated): ExAC 0.00010; gnomAD 0.00011; TOPMed 0.00011; ESP Exome Variant Server 0.00023.
gnomAD v4.1: 352 of 1,614,120 alleles (0.022%); highest among the groups gnomAD compares: Non-Finnish European, 0.027%; no homozygotes.

Submission:

PreventionGenetics, part of Exact Sciences
Classification: Uncertain significance for PLXNA4-related condition. Last evaluated: 2025-07-16. Review status: criteria provided, single submitter. Criteria: ACMG Guidelines, 2015. Collection method: clinical testing. Allele origin: germline.
Comment: The PLXNA4 c.299T>A variant is predicted to result in the amino acid substitution p.Ile100Asn. This variant has been reported in an individual with obesity (Table S2, Al-Humadi et al. 2023 PubMed ID: 37835041). This variant is reported in 0.022% of alleles in individuals of European (non-Finnish) descent in gnomAD. At this time, the clinical significance of this variant is uncertain due to the absence of conclusive functional and genetic evidence.

NM_020911.2(PLXNA4):c.299T>A (p.Ile100Asn)

Gene: PLXNA4 (plexin A4; minus strand). Cytogenetic location: 7q32.3.
Variant type: single nucleotide variant.
Coding change: c.299T>A on transcript NM_020911.2 (MANE Select); coding-DNA position 299, T replaced by A.
Protein change: p.Ile100Asn; replaces isoleucine 100 with asparagine.
Molecular consequence: missense variant.
Genome position (GRCh38, 1-based): chr7:132,508,395, A>T on the plus strand (T>A on the coding strand, the complement: PLXNA4 is on the minus strand). VCF-style: chr7-132508395-A-T. GRCh37 (hg19) VCF-style: chr7-132193154-A-T.
Other names: c.299T>A, p.Ile100Asn (NM_001105543.2, NM_001393897.1, NM_181775.4); short protein forms I100N.
Identifiers: ClinVar variation 2634389 (VCV002634389.4), dbSNP rs201411932, ClinGen allele CA4490515.